The following is an entry in ClinVar:

ClinVar aggregate classification (germline): Pathogenic (1 of 4 stars; one submission).

Conditions:
Fabry disease. Also called: ALPHA-GALACTOSIDASE A DEFICIENCY; ANDERSON-FABRY DISEASE; CERAMIDE TRIHEXOSIDASE DEFICIENCY; GLA DEFICIENCY; HEREDITARY DYSTOPIC LIPIDOSIS; Angiokeratoma corporis diffusum. Identifiers: Orphanet 324, MedGen C0002986, MONDO:0010526, OMIM 301500, HP:0001071. Disease mechanism: Fabry disease is due to inactivating mutations in the X-linked GLA gene resulting in deficiency of the enzyme Alpha Galactosidase-A., loss of function.

Submission:

Genomenon, Inc
Classification: Pathogenic for Fabry disease. Last evaluated: 2026-09-08. Review status: criteria provided, single submitter. Criteria: Genomenon Sequence Variant Interpretation Standards - Updated. Collection method: curation. Allele origin: germline. Affected: yes.
Comment: GLA p.Lys130AsnfsTer11 (c.389_390insT) is a frameshift variant that is predicted to introduce a premature termination codon and result in a truncated or absent protein product. This variant has been observed in at least one proband with clinical features consistent with Fabry disease (PMID:18941922;25865499). It is absent or not present at a significant frequency in gnomAD. In conclusion, we classify GLA p.Lys130AsnfsTer11 (c.389_390insT) as a pathogenic variant.

Literature cited by the submitters: PubMed 18941922; PubMed 25865499.

NM_000169.3(GLA):c.389_390insT (p.Lys130fs)

Genes: GLA (galactosidase alpha; minus strand), RPL36A-HNRNPH2 (RPL36A-HNRNPH2 readthrough; plus strand). Cytogenetic location: Xq22.1.
Variant type: Insertion.
Coding change: c.389_390insT on transcript NM_000169.3 (MANE Select); coding-DNA positions 389 to 390, T inserted.
Protein change: p.Lys130fs; shifts the reading frame from lysine 130.
Molecular consequence: frameshift variant. On other transcripts: non-coding transcript variant (3), intron variant (2).
Genome position: GRCh38 VCF-style: chrX-101401789-C-CA. GRCh37 (hg19) VCF-style: chrX-100656777-C-CA.
Other names: c.512_513insT, p.Lys171fs (NM_001406747.1, NM_001406749.1); c.389_390insT, p.Lys130fs (NM_001406748.1); c.300+6332_300+6333insA (NM_001199973.2); c.177+9967_177+9968insA (NM_001199974.2); short protein forms K130fs, K171fs.
Identifiers: ClinVar variation 4086953 (VCV004086953.2).